The following is an entry in ClinVar:

ClinVar aggregate classification (germline): Likely pathogenic (1 of 4 stars; one submission).

Conditions:
Congenital hyperammonemia, type I. Also called: Carbamoyl phosphate synthetase I deficiency disease; CPS I DEFICIENCY; Carbamoyl phosphate synthetase 1 deficiency; Hyperammonemia due to carbamoyl phosphate synthetase 1 deficiency; CPS 1 deficiency; Carbamyl phosphate synthetase (CPS) deficiency. Identifiers: Orphanet 147, MedGen C4082171, MONDO:0009376, OMIM 237300.

Submission:

Myriad Genetics, Inc.
Classification: Likely pathogenic for Congenital hyperammonemia, type I. Last evaluated: 2021-12-28. Review status: criteria provided, single submitter. Criteria: Myriad Women's Health Autosomal Recessive and X-Linked Classification Criteria (2021). Collection method: clinical testing. Allele origin: unknown.
Comment: NM_001875.4(CPS1):c.486T>A(Y162*) is expected to be pathogenic in the context of carbamoylphosphate synthetase I deficiency. This variant is predicted to lead to an abnormal or absent protein product due to the creation of a premature termination codon in CPS1, a gene where loss-of-function variants are known to be pathogenic. Please note: this variant was assessed in the context of healthy population screening.

NM_001875.5(CPS1):c.486T>A (p.Tyr162Ter)

Gene: CPS1 (carbamoyl-phosphate synthase 1; plus strand). Cytogenetic location: 2q34.
Variant type: single nucleotide variant.
Coding change: c.486T>A on transcript NM_001875.5 (MANE Select); coding-DNA position 486, T replaced by A.
Protein change: p.Tyr162Ter; replaces tyrosine 162 with a stop codon.
Molecular consequence: nonsense. On other transcripts: non-coding transcript variant (1).
Genome position (GRCh38, 1-based): chr2:210,579,728, T>A. VCF-style: chr2-210579728-T-A. GRCh37 (hg19) VCF-style: chr2-211444452-T-A.
Other names: c.486T>A, p.Tyr162Ter (NM_001122633.3, NM_001369257.1); c.519T>A, p.Tyr173Ter (NM_001369256.1); short protein forms Y162*, Y173*.
Identifiers: ClinVar variation 1726620 (VCV001726620.2), dbSNP rs138779023, ClinGen allele CA350425674.